The following is an entry in ClinVar:

ClinVar aggregate classification (germline): Conflicting classifications of pathogenicity. Review status: criteria provided, conflicting classifications (1 of 4 stars). 6 submissions from 5 submitters: Uncertain significance (1); Benign (1); Likely benign (3). 1 of the submissions does not count toward it. Last evaluated 2025-12-23.

Conditions:
Inborn genetic diseases. Identifiers: MedGen C0950123, MeSH D030342.
Spinocerebellar ataxia, autosomal recessive, with axonal neuropathy 2 (SCAN2). Also called: Ataxia-ocular apraxia-2; Ataxia with Oculomotor Apraxia; ATAXIA-OCULOMOTOR APRAXIA 2; Ataxia with Oculomotor Apraxia Type 2. Identifiers: Orphanet 64753, MedGen C1853761, MONDO:0018996, OMIM 606002.
Amyotrophic lateral sclerosis type 4 (ALS4). Also called: AMYOTROPHIC LATERAL SCLEROSIS 4, JUVENILE; NEURONOPATHY, DISTAL HEREDITARY MOTOR, WITH PYRAMIDAL FEATURES. Identifiers: Orphanet 357043, MedGen C1865409, MONDO:0011223, OMIM 602433.
SETX-related disorder. Also called: SETX-related condition; SETX-related disorders. Identifiers: MedGen CN239403.

Allele frequency attached by ClinVar (database versions not stated): gnomAD exomes 0.00003 and 0.00011; gnomAD 0.00006 and 0.00009; ESP Exome Variant Server 0.00008; TOPMed 0.00008; 1000 Genomes Project 0.00080; 1000 Genomes Project 30x 0.00094.
gnomAD v4.1: 59 of 1,614,042 alleles (0.0037%); highest among the groups gnomAD compares: East Asian, 0.056%; no homozygotes.

Submissions (6):

Labcorp Genetics (formerly Invitae), Labcorp
Classification: Benign for Amyotrophic lateral sclerosis type 4; Spinocerebellar ataxia, autosomal recessive, with axonal neuropathy 2. Last evaluated: 2025-12-23. Review status: criteria provided, single submitter. Criteria: Invitae Variant Classification Sherloc (09022015). Collection method: clinical testing. Allele origin: germline.

Women's Health and Genetics/Laboratory Corporation of America, LabCorp
Classification: Likely benign. Last evaluated: 2025-10-06. Review status: criteria provided, single submitter. Criteria: LabCorp Variant Classification Summary - May 2015. Collection method: clinical testing. Allele origin: germline.

Ambry Genetics
Classification: Likely benign for Inborn genetic diseases. Last evaluated: 2019-07-11. Review status: criteria provided, single submitter. Criteria: Ambry Variant Classification Scheme 2023. Collection method: clinical testing. Allele origin: germline.

Illumina Laboratory Services, Illumina
Classification: Likely benign for Amyotrophic lateral sclerosis type 4. Last evaluated: 2018-01-12. Review status: criteria provided, single submitter. Criteria: ICSL Variant Classification Criteria 13 December 2019. Collection method: clinical testing. Allele origin: germline.
Comment: This variant was observed in the ICSL laboratory as part of a predisposition screen in an ostensibly healthy population. It had not been previously curated by ICSL or reported in the Human Gene Mutation Database (HGMD: prior to June 1st, 2018), and was therefore a candidate for classification through an automated scoring system. Utilizing variant allele frequency, disease prevalence and penetrance estimates, and inheritance mode, an automated score was calculated to assess if this variant is too frequent to cause the disease. Based on the score and internal cut-off values, a variant classified as likely benign is not then subjected to further curation. The score for this variant resulted in a classification of likely benign for this disease.

Illumina Laboratory Services, Illumina
Classification: Uncertain significance for Spinocerebellar ataxia, autosomal recessive, with axonal neuropathy 2. Last evaluated: 2018-01-12. Review status: criteria provided, single submitter. Criteria: ICSL Variant Classification Criteria 13 December 2019. Collection method: clinical testing. Allele origin: germline.

PreventionGenetics, part of Exact Sciences
Classification: Likely benign for SETX-related condition. Last evaluated: 2019-05-28. Review status: no assertion criteria provided. Collection method: clinical testing. Allele origin: germline. Not counted in ClinVar's aggregate classification.
Comment: This variant is classified as likely benign based on ACMG/AMP sequence variant interpretation guidelines (Richards et al. 2015 PMID: 25741868, with internal and published modifications).

NM_015046.7(SETX):c.6675C>T (p.Tyr2225=)

Gene: SETX (senataxin; minus strand). Cytogenetic location: 9q34.13.
Variant type: single nucleotide variant.
Coding change: c.6675C>T on transcript NM_015046.7 (MANE Select); coding-DNA position 6675, C replaced by T.
Protein change: p.Tyr2225=; no amino-acid change (tyrosine 2225 retained).
Molecular consequence: synonymous variant.
Genome position (GRCh38, 1-based): chr9:132,278,237, G>A on the plus strand (C>T on the coding strand, the complement: SETX is on the minus strand). VCF-style: chr9-132278237-G-A. GRCh37 (hg19) VCF-style: chr9-135153624-G-A.
Other names: c.6675C>T, p.Tyr2225= (NM_001351527.2, NM_001351528.2).
Identifiers: ClinVar variation 365348 (VCV000365348.13), dbSNP rs200382898, ClinGen allele CA5296643.
Genomic context (GRCh38, chr9:132,278,237, plus strand): 5'-CATGTTGTGTTCTACATTCTCTTCCAGCAGTCTGCAGAAGCGAGCCATCATTGACTGGTC[G>A]TAGCCATACTCCTGTGCTTTCTGTGAGGGGCAAAATAAAGCAACAGTTTCCAAGAATTCA-3'
Protein context (NP_055861.3, residues 2215-2235): VISMKAQEYG[Tyr2225=]DQSMMARFCR